The following is an entry in ClinVar:

ClinVar aggregate classification (germline): Pathogenic (1 of 4 stars; one submission).

Conditions:
Hypertrophic cardiomyopathy. Also called: HYPERTROPHIC MYOCARDIOPATHY. Identifiers: Orphanet 217569, MedGen C0007194, MeSH D002312, MONDO:0005045, HP:0001639.

Submission:

Labcorp Genetics (formerly Invitae), Labcorp
Classification: Pathogenic for Hypertrophic cardiomyopathy. Last evaluated: 2023-05-05. Review status: criteria provided, single submitter. Criteria: Invitae Variant Classification Sherloc (09022015). Collection method: clinical testing. Allele origin: germline.
Comment: For these reasons, this variant has been classified as Pathogenic. This variant has not been reported in the literature in individuals affected with MYBPC3-related conditions. This variant is not present in population databases (gnomAD no frequency). This sequence change creates a premature translational stop signal (p.Thr688Serfs*66) in the MYBPC3 gene. It is expected to result in an absent or disrupted protein product. Loss-of-function variants in MYBPC3 are known to be pathogenic (PMID: 19574547).

Literature cited by the submitters: PubMed 19574547.

NM_000256.3(MYBPC3):c.2063del (p.Thr688fs)

Gene: MYBPC3 (myosin binding protein C3; minus strand). Cytogenetic location: 11p11.2.
Variant type: Deletion.
Coding change: c.2063del on transcript NM_000256.3 (MANE Select); coding-DNA position 2063, one base deleted (C; older notation c.2063delC).
Protein change: p.Thr688fs; shifts the reading frame from threonine 688.
Molecular consequence: frameshift variant.
Genome position (GRCh38, 1-based): chr11:47,339,655, G deleted on the plus strand (C on the coding strand, the reverse complement: MYBPC3 is on the minus strand). VCF-style (leftmost placement, unchanged base first): chr11-47339654-CG-C. GRCh37 (hg19) VCF-style: chr11-47361205-CG-C.
Other names: short protein forms T688fs.
Identifiers: ClinVar variation 2861992 (VCV002861992.3), dbSNP rs2495755909, ClinGen allele CA2739270438.